The following is an entry in ClinVar:

ClinVar aggregate classification (germline): Uncertain significance (1 of 4 stars; one submission).

Submission:

Labcorp Genetics (formerly Invitae), Labcorp
Classification: Uncertain significance. Last evaluated: 2025-09-21. Review status: criteria provided, single submitter. Criteria: Invitae Variant Classification Sherloc (09022015). Collection method: clinical testing. Allele origin: germline.
Comment: This variant, c.82_102del, results in the deletion of 7 amino acid(s) of the RCOR1 protein (p.Ala28_Ala34del), but otherwise preserves the integrity of the reading frame. The frequency data for this variant in the population databases is considered unreliable, as metrics indicate poor data quality at this position in the gnomAD database. This variant has not been reported in the literature in individuals affected with RCOR1-related conditions. Experimental studies and prediction algorithms are not available or were not evaluated, and the functional significance of this variant is currently unknown. In summary, the available evidence is currently insufficient to determine the role of this variant in disease. Therefore, it has been classified as a Variant of Uncertain Significance.

NM_015156.4(RCOR1):c.82_102del (p.Ala28_Ala34del)

Gene: RCOR1 (REST corepressor 1; plus strand). Cytogenetic location: 14q32.31.
Variant type: Deletion.
Coding change: c.82_102del on transcript NM_015156.4 (MANE Select); coding-DNA positions 82 to 102, 21 bases deleted (GCCGCCGCCTCCGCCGCCGCC).
Protein change: p.Ala28_Ala34del.
Genome position (GRCh38, 1-based): chr14:102,592,968-102,592,988, GCCGCCGCCTCCGCCGCCGCC deleted; deleting any 21 consecutive bases within chr14:102,592,963-102,592,988 gives the same sequence; the c. name uses the placement nearest the transcript's 3' end. VCF-style (leftmost placement, unchanged base first): chr14-102592962-TCCGCCGCCGCCGCCTCCGCCG-T. GRCh37 (hg19) VCF-style: chr14-103059299-TCCGCCGCCGCCGCCTCCGCCG-T.
Identifiers: ClinVar variation 4804662 (VCV004804662.1).